The following is an entry in ClinVar:

NM_182914.3(SYNE2):c.12569A>C (p.Gln4190Pro)

Gene: SYNE2 (spectrin repeat containing nuclear envelope protein 2; plus strand). Cytogenetic location: 14q23.2.
Variant type: single nucleotide variant.
Coding change: c.12569A>C on transcript NM_182914.3 (MANE Select); coding-DNA position 12569, A replaced by C.
Protein change: p.Gln4190Pro; replaces glutamine 4190 with proline.
Molecular consequence: missense variant.
Genome position (GRCh38, 1-based): chr14:64,107,567, A>C. VCF-style: chr14-64107567-A-C. GRCh37 (hg19) VCF-style: chr14-64574285-A-C.
Other names: c.12569A>C (NM_182914.2); c.12569A>C, p.Gln4190Pro (NM_015180.6); short protein forms Q4190P.
Identifiers: ClinVar variation 1484706 (VCV001484706.9), dbSNP rs1178890933, ClinGen allele CA389956218.

ClinVar aggregate classification (germline): Uncertain significance. Review status: criteria provided, multiple submitters, no conflicts (2 of 4 stars). 2 submissions from 2 submitters: Uncertain significance (2). Last evaluated 2023-09-22.

Conditions:
Emery-Dreifuss muscular dystrophy 5, autosomal dominant (EDMD5). Also called: EMERY-DREIFUSS MUSCULAR DYSTROPHY 5. Identifiers: Orphanet 261, MedGen C2751805, MONDO:0013072, OMIM 612999.

Allele frequency attached by ClinVar (database versions not stated): gnomAD exomes below 0.00001; TOPMed below 0.00001.
gnomAD v4.1: 6 of 1,614,194 alleles (0.00037%); highest among the groups gnomAD compares: Non-Finnish European, 0.00051%; no homozygotes.

Submissions (2):

Ambry Genetics
Classification: Uncertain significance. Last evaluated: 2023-09-22. Review status: criteria provided, single submitter. Criteria: Ambry Variant Classification Scheme 2023. Collection method: clinical testing. Allele origin: germline.

Labcorp Genetics (formerly Invitae), Labcorp
Classification: Uncertain significance for Emery-Dreifuss muscular dystrophy 5, autosomal dominant. Last evaluated: 2020-11-27. Review status: criteria provided, single submitter. Criteria: Invitae Variant Classification Sherloc (09022015). Collection method: clinical testing. Allele origin: germline.
Comment: In summary, the available evidence is currently insufficient to determine the role of this variant in disease. Therefore, it has been classified as a Variant of Uncertain Significance. Algorithms developed to predict the effect of missense changes on protein structure and function output the following: SIFT: "Deleterious"; PolyPhen-2: "Benign"; Align-GVGD: "Class C0". The proline amino acid residue is found in multiple mammalian species, suggesting that this missense change does not adversely affect protein function. These predictions have not been confirmed by published functional studies and their clinical significance is uncertain. This variant has not been reported in the literature in individuals with SYNE2-related conditions. This variant is not present in population databases (ExAC no frequency). This sequence change replaces glutamine with proline at codon 4190 of the SYNE2 protein (p.Gln4190Pro). The glutamine residue is weakly conserved and there is a moderate physicochemical difference between glutamine and proline.